The following is an entry in ClinVar:

NM_000719.7(CACNA1C):c.859T>C (p.Leu287=)

Gene: CACNA1C (calcium voltage-gated channel subunit alpha1 C; plus strand). Cytogenetic location: 12p13.33.
Variant type: single nucleotide variant.
Coding change: c.859T>C on transcript NM_000719.7 (MANE Select); coding-DNA position 859, T replaced by C.
Protein change: p.Leu287=; no amino-acid change (leucine 287 retained).
Molecular consequence: synonymous variant.
Genome position (GRCh38, 1-based): chr12:2,486,205, T>C. VCF-style: chr12-2486205-T-C. GRCh37 (hg19) VCF-style: chr12-2595371-T-C.
Other names: c.859T>C, p.Leu287= (NM_001129827.2, NM_001129829.2, NM_001129830.3 and 19 more transcripts).
Identifiers: ClinVar variation 704607 (VCV000704607.15), dbSNP rs570043167, ClinGen allele CA6388546.

ClinVar aggregate classification (germline): Likely benign. Review status: criteria provided, multiple submitters, no conflicts (2 of 4 stars). 4 submissions from 4 submitters: Likely benign (4). Last evaluated 2026-02-07.

Conditions:
Cardiovascular phenotype. Identifiers: MedGen CN230736.
Long QT syndrome (LQTS). Identifiers: MedGen C0023976, MeSH D008133, MONDO:0002442. Disease mechanism: loss of function. Inheritance: Various modes of inheritance.
CACNA1C-related disorder. Also called: CACNA1C-related condition; CACNA1C-related disorders. Identifiers: MedGen CN381092, MONDO:0700321.

Allele frequency attached by ClinVar (database versions not stated): gnomAD 0.00006 and 0.00007; gnomAD exomes 0.00003 and 0.00011; TOPMed 0.00006; ExAC 0.00007; 1000 Genomes Project 30x 0.00016; 1000 Genomes Project 0.00020.
gnomAD v4.1: 47 of 1,613,786 alleles (0.0029%); highest among the groups gnomAD compares: East Asian, 0.1%; no homozygotes.

Submissions (4):

PreventionGenetics, part of Exact Sciences
Classification: Likely benign for CACNA1C-related condition. Last evaluated: 2026-02-07. Review status: criteria provided, single submitter. Criteria: ACMG Guidelines, 2015. Collection method: clinical testing. Allele origin: germline.
Comment: This variant is classified as likely benign based on ACMG/AMP sequence variant interpretation guidelines (Richards et al. 2015 PMID: 25741868, with internal and published modifications).

Labcorp Genetics (formerly Invitae), Labcorp
Classification: Likely benign for Long QT syndrome. Last evaluated: 2025-08-11. Review status: criteria provided, single submitter. Criteria: Invitae Variant Classification Sherloc (09022015). Collection method: clinical testing. Allele origin: germline.

Blueprint Genetics
Classification: Likely benign. Last evaluated: 2023-05-09. Review status: criteria provided, single submitter. Criteria: ACMG Guidelines, 2015. Collection method: clinical testing. Allele origin: germline.

Ambry Genetics
Classification: Likely benign for Cardiovascular phenotype. Last evaluated: 2019-10-07. Review status: criteria provided, single submitter. Criteria: Ambry Variant Classification Scheme 2023. Collection method: clinical testing. Allele origin: germline.